The following is an entry in ClinVar:

NM_001127198.5(TMC6):c.2172T>C (p.Phe724=)

Gene: TMC6 (transmembrane channel like 6; minus strand). Cytogenetic location: 17q25.3.
Variant type: single nucleotide variant.
Coding change: c.2172T>C on transcript NM_001127198.5 (MANE Select); coding-DNA position 2172, T replaced by C.
Protein change: p.Phe724=; no amino-acid change (phenylalanine 724 retained).
Molecular consequence: synonymous variant.
Genome position (GRCh38, 1-based): chr17:78,117,494, A>G on the plus strand (T>C on the coding strand, the complement: TMC6 is on the minus strand). VCF-style: chr17-78117494-A-G. GRCh37 (hg19) VCF-style: chr17-76113575-A-G.
Other names: c.2172T>C, p.Phe724= (NM_007267.7, NM_001321185.1, NM_001374596.1 and 2 more transcripts); c.1992T>C, p.Phe664= (NM_001374593.1, NM_001374594.1).
Identifiers: ClinVar variation 1127858 (VCV001127858.11), dbSNP rs139010324, ClinGen allele CA8795410.

ClinVar aggregate classification (germline): Likely benign. Review status: criteria provided, multiple submitters, no conflicts (2 of 4 stars). 3 submissions from 3 submitters: Likely benign (3). Last evaluated 2026-08-01.

Conditions:
Epidermodysplasia verruciformis. Identifiers: Orphanet 302, MedGen C0014522, MONDO:0009176.

Allele frequency attached by ClinVar (database versions not stated): gnomAD exomes 0.00006 and 0.00010; ExAC 0.00014; gnomAD 0.00036 and 0.00040; TOPMed 0.00049; ESP Exome Variant Server 0.00054; 1000 Genomes Project 0.00060.
gnomAD v4.1: 148 of 1,609,420 alleles (0.0092%); highest among the groups gnomAD compares: African/African-American, 0.18%; no homozygotes.

Submissions (3):

CeGaT Center for Human Genetics Tuebingen
Classification: Likely benign. Last evaluated: 2026-08-01. Review status: criteria provided, single submitter. Criteria: CeGaT Center For Human Genetics Tuebingen Variant Classification Criteria Version 2. Collection method: clinical testing. Allele origin: germline. Affected: yes. Observed: 1 variant allele.
Comment: TMC6: BP4, BP7

Labcorp Genetics (formerly Invitae), Labcorp
Classification: Likely benign for Epidermodysplasia verruciformis. Last evaluated: 2025-12-18. Review status: criteria provided, single submitter. Criteria: Invitae Variant Classification Sherloc (09022015). Collection method: clinical testing. Allele origin: germline.

Blueprint Genetics
Classification: Likely benign. Last evaluated: 2024-08-28. Review status: criteria provided, single submitter. Criteria: ACMG Guidelines, 2015. Collection method: clinical testing. Allele origin: germline.